The following is an entry in ClinVar:

ClinVar aggregate classification (germline): Pathogenic (1 of 4 stars; one submission).

Conditions:
Joubert syndrome. Also called: CEREBELLOPARENCHYMAL DISORDER IV; JOUBERT-BOLTSHAUSER SYNDROME; Familial aplasia of the vermis. Identifiers: Orphanet 475, MedGen C5979921, MONDO:0018772.
Meckel-Gruber syndrome. Also called: DYSENCEPHALIA SPLANCHNOCYSTICA; GRUBER SYNDROME; Dysencephalia splachnocystica. Identifiers: Orphanet 564, MedGen C0265215, MONDO:0018921.

Submission:

Labcorp Genetics (formerly Invitae), Labcorp
Classification: Pathogenic for Joubert syndrome; Meckel-Gruber syndrome. Last evaluated: 2023-07-19. Review status: criteria provided, single submitter. Criteria: Invitae Variant Classification Sherloc (09022015). Collection method: clinical testing. Allele origin: germline.
Comment: This sequence change creates a premature translational stop signal (p.Tyr755Ilefs*2) in the RPGRIP1L gene. It is expected to result in an absent or disrupted protein product. Loss-of-function variants in RPGRIP1L are known to be pathogenic (PMID: 17558409). This variant is not present in population databases (gnomAD no frequency). This variant has not been reported in the literature in individuals affected with RPGRIP1L-related conditions. For these reasons, this variant has been classified as Pathogenic.

Literature cited by the submitters: PubMed 17558409.

NM_015272.5(RPGRIP1L):c.2262del (p.Tyr755fs)

Gene: RPGRIP1L (RPGRIP1 like; minus strand). Cytogenetic location: 16q12.2.
Variant type: Deletion.
Coding change: c.2262del on transcript NM_015272.5 (MANE Select); coding-DNA position 2262, one base deleted (G; older notation c.2262delG).
Protein change: p.Tyr755fs; shifts the reading frame from tyrosine 755.
Molecular consequence: frameshift variant.
Genome position (GRCh38, 1-based): chr16:53,649,006, C deleted on the plus strand (G on the coding strand, the reverse complement: RPGRIP1L is on the minus strand); the first of 4 consecutive C bases (chr16:53,649,006-53,649,009); deleting any one gives the same sequence. VCF-style (leftmost placement, unchanged base first): chr16-53649005-AC-A. GRCh37 (hg19) VCF-style: chr16-53682917-AC-A.
Other names: c.2262del, p.Tyr755fs (NM_001127897.4, NM_001308334.3, NM_001330538.2); short protein forms Y755fs.
Identifiers: ClinVar variation 2950064 (VCV002950064.3), dbSNP rs2544153711, ClinGen allele CA2740093360.